The following is an entry in ClinVar:

NM_001037333.3(CYFIP2):c.217C>G (p.Leu73Val)

Gene: CYFIP2 (cytoplasmic FMR1 interacting protein 2; plus strand). Cytogenetic location: 5q33.3.
Variant type: single nucleotide variant.
Coding change: c.217C>G on transcript NM_001037333.3 (MANE Select); coding-DNA position 217, C replaced by G.
Protein change: p.Leu73Val; replaces leucine 73 with valine.
Molecular consequence: missense variant. On other transcripts: intron variant (1).
Genome position (GRCh38, 1-based): chr5:157,294,792, C>G. VCF-style: chr5-157294792-C-G. GRCh37 (hg19) VCF-style: chr5-156721801-C-G.
Other names: c.217C>G, p.Leu73Val (NM_001291722.2, NM_014376.4); c.208-1881C>G (NM_001291721.2); short protein forms L73V.
Identifiers: ClinVar variation 2577746 (VCV002577746.1), dbSNP rs2532279864, ClinGen allele CA361965684.

ClinVar aggregate classification (germline): Uncertain significance (1 of 4 stars; one submission).

Submission:

GeneDx
Classification: Uncertain significance. Last evaluated: 2023-02-24. Review status: criteria provided, single submitter. Criteria: GeneDx Variant Classification Process June 2021. Collection method: clinical testing. Allele origin: germline. Affected: yes.
Comment: Not observed at significant frequency in large population cohorts (gnomAD); In silico analysis supports that this missense variant has a deleterious effect on protein structure/function; Has not been previously published as pathogenic or benign to our knowledge